The following is an entry in ClinVar:

ClinVar aggregate classification (germline): Uncertain significance. Review status: criteria provided, multiple submitters, no conflicts (2 of 4 stars). 3 submissions from 3 submitters: Uncertain significance (3). Last evaluated 2025-03-17.

Conditions:
CHCHD10-related disorder. Also called: CHCHD10-related condition; CHCHD10-Related Disorders. Identifiers: MedGen CN381526.
Lower motor neuron syndrome with late-adult onset (SMAJ). Also called: Late-Onset Spinal Motor Neuronopathy (SMAJ); Spinal muscular atrophy, Jokela type. Identifiers: Orphanet 276435, MedGen C3554398, MONDO:0014025, OMIM 615048.
Autosomal dominant mitochondrial myopathy with exercise intolerance (IMMD). Also called: Myopathy, isolated mitochondrial, autosomal dominant. Identifiers: Orphanet 457050, MedGen C4015513, MONDO:0014532, OMIM 616209.
Frontotemporal dementia and/or amyotrophic lateral sclerosis 2. Also called: FTDALS2. Identifiers: Orphanet 275872, MedGen C4014648, MONDO:0014395, OMIM 615911.
Inborn genetic diseases. Identifiers: MedGen C0950123, MeSH D030342.

Allele frequency attached by ClinVar (database versions not stated): gnomAD exomes below 0.00001 and 0.00001; ExAC 0.00001.
gnomAD v4.1: 10 of 1,528,988 alleles (0.00065%); highest among the groups gnomAD compares: Non-Finnish European, 0.00089%; no homozygotes.

Submissions (3):

Labcorp Genetics (formerly Invitae), Labcorp
Classification: Uncertain significance for Lower motor neuron syndrome with late-adult onset; Frontotemporal dementia and/or amyotrophic lateral sclerosis 2; Autosomal dominant mitochondrial myopathy with exercise intolerance. Last evaluated: 2025-03-17. Review status: criteria provided, single submitter. Criteria: Invitae Variant Classification Sherloc (09022015). Collection method: clinical testing. Allele origin: germline.
Comment: This sequence change replaces aspartic acid, which is acidic and polar, with glycine, which is neutral and non-polar, at codon 111 of the CHCHD10 protein (p.Asp111Gly). This variant is not present in population databases (gnomAD no frequency). This variant has not been reported in the literature in individuals affected with CHCHD10-related conditions. ClinVar contains an entry for this variant (Variation ID: 652408). An algorithm developed to predict the effect of missense changes on protein structure and function (PolyPhen-2) suggests that this variant is likely to be disruptive. In summary, the available evidence is currently insufficient to determine the role of this variant in disease. Therefore, it has been classified as a Variant of Uncertain Significance.

PreventionGenetics, part of Exact Sciences
Classification: Uncertain significance for CHCHD10-related condition. Last evaluated: 2025-02-12. Review status: criteria provided, single submitter. Criteria: ACMG Guidelines, 2015. Collection method: clinical testing. Allele origin: germline.
Comment: The CHCHD10 c.332A>G variant is predicted to result in the amino acid substitution p.Asp111Gly. To our knowledge, this variant has not been reported in the literature. This variant is reported in 0.00093% of alleles in individuals of European (non-Finnish) descent in gnomAD. At this time, the clinical significance of this variant is uncertain due to the absence of conclusive functional and genetic evidence.

Ambry Genetics
Classification: Uncertain significance for Inborn genetic diseases. Last evaluated: 2023-04-10. Review status: criteria provided, single submitter. Criteria: Ambry Variant Classification Scheme 2023. Collection method: clinical testing. Allele origin: germline.

NM_213720.3(CHCHD10):c.332A>G (p.Asp111Gly)

Gene: CHCHD10 (coiled-coil-helix-coiled-coil-helix domain containing 10; minus strand). Cytogenetic location: 22q11.23.
Variant type: single nucleotide variant.
Coding change: c.332A>G on transcript NM_213720.3 (MANE Select); coding-DNA position 332, A replaced by G.
Protein change: p.Asp111Gly; replaces aspartic acid 111 with glycine.
Molecular consequence: missense variant. On other transcripts: non-coding transcript variant (2).
Genome position (GRCh38, 1-based): chr22:23,766,205, T>C on the plus strand (A>G on the coding strand, the complement: CHCHD10 is on the minus strand). VCF-style: chr22-23766205-T-C. GRCh37 (hg19) VCF-style: chr22-24108392-T-C.
Other names: c.353A>G, p.Asp118Gly (NM_001301339.2); c.332A>G (NM_213720.1); short protein forms D118G, D111G.
Identifiers: ClinVar variation 652408 (VCV000652408.9), dbSNP rs750293377, ClinGen allele CA10145257.